The following is an entry in ClinVar:

NM_014641.3(MDC1):c.294T>A (p.Thr98=)

Gene: MDC1 (mediator of DNA damage checkpoint 1; minus strand). Cytogenetic location: 6p21.33.
Variant type: single nucleotide variant.
Coding change: c.294T>A on transcript NM_014641.3 (MANE Select); coding-DNA position 294, T replaced by A.
Protein change: p.Thr98=; no amino-acid change (threonine 98 retained).
Molecular consequence: synonymous variant.
Genome position (GRCh38, 1-based): chr6:30,714,026, A>T on the plus strand (T>A on the coding strand, the complement: MDC1 is on the minus strand). VCF-style: chr6-30714026-A-T. GRCh37 (hg19) VCF-style: chr6-30681803-A-T.
Identifiers: ClinVar variation 4821432 (VCV004821432.4).

ClinVar aggregate classification (germline): Likely benign (1 of 4 stars; one submission).

gnomAD v4.1: 172 of 1,612,934 alleles (0.011%); highest among the groups gnomAD compares: Middle Eastern, 0.38%; no homozygotes.

Submission:

CeGaT Center for Human Genetics Tuebingen
Classification: Likely benign. Last evaluated: 2026-02-01. Review status: criteria provided, single submitter. Criteria: CeGaT Center For Human Genetics Tuebingen Variant Classification Criteria Version 2. Collection method: clinical testing. Allele origin: germline. Affected: yes. Observed: 1 variant allele.
Comment: MDC1: BP4, BP7